The following is an entry in ClinVar:

ClinVar aggregate classification (germline): Uncertain significance (1 of 4 stars; one submission).

Submission:

GeneDx
Classification: Uncertain significance. Last evaluated: 2023-03-14. Review status: criteria provided, single submitter. Criteria: GeneDx Variant Classification Process June 2021. Collection method: clinical testing. Allele origin: germline. Affected: yes.
Comment: Not observed at significant frequency in large population cohorts (gnomAD); In silico analysis supports that this missense variant has a deleterious effect on protein structure/function; Has not been previously published as pathogenic or benign to our knowledge

NM_001386135.1(AFF3):c.1072A>G (p.Asn358Asp)

Gene: AFF3 (ALF transcription elongation factor 3; minus strand). Cytogenetic location: 2q11.2.
Variant type: single nucleotide variant.
Coding change: c.1072A>G on transcript NM_001386135.1 (MANE Select); coding-DNA position 1072, A replaced by G.
Protein change: p.Asn358Asp; replaces asparagine 358 with aspartic acid.
Molecular consequence: missense variant.
Genome position (GRCh38, 1-based): chr2:99,727,096, T>C on the plus strand (A>G on the coding strand, the complement: AFF3 is on the minus strand). VCF-style: chr2-99727096-T-C. GRCh37 (hg19) VCF-style: chr2-100343558-T-C.
Other names: c.1147A>G, p.Asn383Asp (NM_001025108.2); c.1072A>G, p.Asn358Asp (NM_002285.3); short protein forms N358D, N383D.
Identifiers: ClinVar variation 2579854 (VCV002579854.1), dbSNP rs2466761798, ClinGen allele CA347962246.
Genomic context (GRCh38, chr2:99,727,096, plus strand): 5'-TTAAGAACAGGCATCTCTGATAGAAAATGAAAGAAACTTACGATGTATTCGATGTGCCAT[T>C]GTCTGGACTCTCTGGCTCTGCATCACCTTTCTCTTAAAAAGGAAGCAGAAAAAAATACCG-3'
Protein context (NP_001373064.1, residues 348-368): KGDAEPESPD[Asn358Asp]GTSNTSMLED